The following is an entry in ClinVar:

ClinVar aggregate classification (germline): Likely benign (1 of 4 stars; one submission).

Submission:

CeGaT Center for Human Genetics Tuebingen
Classification: Likely benign. Last evaluated: 2026-01-01. Review status: criteria provided, single submitter. Criteria: CeGaT Center For Human Genetics Tuebingen Variant Classification Criteria Version 2. Collection method: clinical testing. Allele origin: germline. Affected: yes. Observed: 1 variant allele.
Comment: MUC16: BP4, BS1

NM_001401501.2(MUC16):c.32096C>T (p.Ser10699Leu)

Gene: MUC16 (mucin 16, cell surface associated; minus strand). Cytogenetic location: 19p13.2.
Variant type: single nucleotide variant.
Coding change: c.32096C>T on transcript NM_001401501.2 (MANE Select); coding-DNA position 32096, C replaced by T.
Protein change: p.Ser10699Leu; replaces serine 10699 with leucine.
Molecular consequence: missense variant.
Genome position (GRCh38, 1-based): chr19:8,938,979, G>A on the plus strand (C>T on the coding strand, the complement: MUC16 is on the minus strand). VCF-style: chr19-8938979-G-A. GRCh37 (hg19) VCF-style: chr19-9049655-G-A.
Other names: c.32522C>T, p.Ser10841Leu (NM_001414686.1); c.31976C>T, p.Ser10659Leu (NM_001414687.1, NM_024690.2); short protein forms S10659L, S10699L, S10841L.
Identifiers: ClinVar variation 4820881 (VCV004820881.4).